The following is an entry in ClinVar:

ClinVar aggregate classification (germline): Likely benign. Review status: criteria provided, multiple submitters, no conflicts (2 of 4 stars). 3 submissions from 3 submitters: Likely benign (3). Last evaluated 2026-01-19.

Conditions:
Myopathy with tubular aggregates (TAM). Also called: Tubular Aggregate Myopathy. Identifiers: Orphanet 2593, MedGen C0410207, MONDO:0008051.
Stormorken syndrome (STRMK). Also called: THROMBOCYTOPATHY, ASPLENIA, AND MIOSIS. Identifiers: Orphanet 3204, MedGen C1861451, MONDO:0008497, OMIM 185070.
Combined immunodeficiency due to STIM1 deficiency. Also called: STIM1 DEFICIENCY; IMMUNODEFICIENCY 10. Identifiers: Orphanet 169090, Orphanet 317430, MedGen C2748557, MONDO:0013008, OMIM 612783.

Allele frequency attached by ClinVar (database versions not stated): gnomAD exomes 0.00002 and 0.00005; ExAC 0.00014; ESP Exome Variant Server 0.00015; 1000 Genomes Project 0.00020; gnomAD 0.00025 and 0.00028; TOPMed 0.00028; 1000 Genomes Project 30x 0.00031.
gnomAD v4.1: 66 of 1,582,490 alleles (0.0042%); highest among the groups gnomAD compares: African/African-American, 0.082%; no homozygotes.

Submissions (3):

Labcorp Genetics (formerly Invitae), Labcorp
Classification: Likely benign for Myopathy with tubular aggregates; Combined immunodeficiency due to STIM1 deficiency; Stormorken syndrome. Last evaluated: 2026-01-19. Review status: criteria provided, single submitter. Criteria: Invitae Variant Classification Sherloc (09022015). Collection method: clinical testing. Allele origin: germline.

Blueprint Genetics
Classification: Likely benign. Last evaluated: 2024-03-11. Review status: criteria provided, single submitter. Criteria: ACMG Guidelines, 2015. Collection method: clinical testing. Allele origin: germline.

GeneDx
Classification: Likely benign. Last evaluated: 2016-03-07. Review status: criteria provided, single submitter. Criteria: GeneDx Variant Classification (06012015). Collection method: clinical testing. Allele origin: germline. Affected: yes.
Comment: This variant is considered likely benign or benign based on one or more of the following criteria: it is a conservative change, it occurs at a poorly conserved position in the protein, it is predicted to be benign by multiple in silico algorithms, and/or has population frequency not consistent with disease.

NM_001382567.1(STIM1):c.386-11T>C

Gene: STIM1 (stromal interaction molecule 1; plus strand). Cytogenetic location: 11p15.4.
Variant type: single nucleotide variant.
Coding change: c.386-11T>C on transcript NM_001382567.1 (MANE Select); 11 bases into the intron before coding-DNA position 386, T replaced by C.
Molecular consequence: intron variant.
Genome position (GRCh38, 1-based): chr11:4,055,515, T>C. VCF-style: chr11-4055515-T-C. GRCh37 (hg19) VCF-style: chr11-4076745-T-C.
Other names: c.164-11T>C (NM_001382578.1, NM_001382575.1, NM_001382576.1 and 5 more transcripts); c.-104-11T>C (NM_001382580.1, NM_001382581.1); c.386-11T>C (NM_001382568.1, NM_001277962.2, NM_003156.4 and 2 more transcripts); c.386-14511T>C (NM_001382570.1); c.251-11T>C (NM_001382569.1); c.18-3766T>C (NM_001382571.1).
Identifiers: ClinVar variation 384438 (VCV000384438.10), dbSNP rs368922449, ClinGen allele CA5830210.
Genomic context (GRCh38, chr11:4,055,515, plus strand): 5'-GTCAGCATGACAACAAATGAAAGCAGTGCTTGGCATTCTAGAGTCATGGCTTTGCTTGTC[T>C]CTTTTCACAGTATACAATTGGACCGTGGATGAGGTGGTACAGTGGCTGATCACATATGTG-3'